The following is an entry in ClinVar:

NM_152558.5(IQCE):c.825-4C>T

Gene: IQCE (IQ motif containing E; plus strand). Cytogenetic location: 7p22.3.
Variant type: single nucleotide variant.
Coding change: c.825-4C>T on transcript NM_152558.5 (MANE Select); 4 bases into the intron before coding-DNA position 825, C replaced by T.
Molecular consequence: intron variant.
Genome position (GRCh38, 1-based): chr7:2,586,204, C>T. VCF-style: chr7-2586204-C-T. GRCh37 (hg19) VCF-style: chr7-2625838-C-T.
Other names: c.630-4C>T (NM_001287501.2, NM_001287502.2); c.825-4C>T (NM_001287499.2, NM_152558.4); c.777-4C>T (NM_001287500.2).
Identifiers: ClinVar variation 1300120 (VCV001300120.4), dbSNP rs2257285, ClinGen allele CA4128917.

ClinVar aggregate classification (germline): Benign. Review status: criteria provided, single submitter (1 of 4 stars). 2 submissions from 2 submitters: Benign (1). 1 of the submissions does not count toward it. Last evaluated 2021-08-19.

Conditions:
Polydactyly, postaxial, type a7. Identifiers: MedGen C4539976, MONDO:0060550, OMIM 617642.
IQCE-related disorder. Also called: IQCE-related condition.

Allele frequency attached by ClinVar (database versions not stated): ESP Exome Variant Server 0.15224; gnomAD exomes 0.17036 and 0.21044; gnomAD 0.17891 and 0.18440; TOPMed 0.18216; ExAC 0.21231; 1000 Genomes Project 30x 0.24094; 1000 Genomes Project 0.24461.
gnomAD v4.1: 276,521 of 1,610,686 alleles (17%); highest among the groups gnomAD compares: East Asian, 34%; 26,469 homozygotes.

Submissions (2):

Genome-Nilou Lab
Classification: Benign for Polydactyly, postaxial, type a7. Last evaluated: 2021-08-19. Review status: criteria provided, single submitter. Criteria: ACMG Guidelines, 2015. Collection method: clinical testing. Allele origin: germline. Affected: no.

PreventionGenetics, part of Exact Sciences
Classification: Benign for IQCE-related condition. Last evaluated: 2023-02-01. Review status: no assertion criteria provided. Collection method: clinical testing. Allele origin: germline. Not counted in ClinVar's aggregate classification.
Comment: This variant is classified as benign based on ACMG/AMP sequence variant interpretation guidelines (Richards et al. 2015 PMID: 25741868, with internal and published modifications).